The following is an entry in ClinVar:

NM_007272.3(CTRC):c.574T>A (p.Trp192Arg)

Gene: CTRC (chymotrypsin C; plus strand). Cytogenetic location: 1p36.21.
Variant type: single nucleotide variant.
Coding change: c.574T>A on transcript NM_007272.3 (MANE Select); coding-DNA position 574, T replaced by A.
Protein change: p.Trp192Arg; replaces tryptophan 192 with arginine.
Molecular consequence: missense variant.
Genome position (GRCh38, 1-based): chr1:15,444,686, T>A. VCF-style: chr1-15444686-T-A. GRCh37 (hg19) VCF-style: chr1-15771181-T-A.
Other names: short protein forms W192R.
Identifiers: ClinVar variation 1749433 (VCV001749433.2), dbSNP rs2526301400, ClinGen allele CA338567235.

ClinVar aggregate classification (germline): Uncertain significance (1 of 4 stars; one submission).

Conditions:
Hereditary pancreatitis (PCTT). Also called: Hereditary chronic pancreatitis; PRSS1-Related Hereditary Pancreatitis. Identifiers: Orphanet 676, MedGen C0238339, MONDO:0008185, OMIM 167800.

Submission:

Ambry Genetics
Classification: Uncertain significance for Hereditary pancreatitis. Last evaluated: 2022-10-05. Review status: criteria provided, single submitter. Criteria: Ambry Variant Classification Scheme 2023. Collection method: clinical testing. Allele origin: germline.
Comment: The p.W192R variant (also known as c.574T>A), located in coding exon 6 of the CTRC gene, results from a T to A substitution at nucleotide position 574. The tryptophan at codon 192 is replaced by arginine, an amino acid with dissimilar properties. This amino acid position is conserved. In addition, this alteration is predicted to be deleterious by in silico analysis. Since supporting evidence is limited at this time, the clinical significance of this alteration remains unclear.